The following is an entry in ClinVar:

NM_001457.4(FLNB):c.956A>G (p.Tyr319Cys)

Gene: FLNB (filamin B; plus strand). Cytogenetic location: 3p14.3.
Variant type: single nucleotide variant.
Coding change: c.956A>G on transcript NM_001457.4 (MANE Select); coding-DNA position 956, A replaced by G.
Protein change: p.Tyr319Cys; replaces tyrosine 319 with cysteine.
Molecular consequence: missense variant.
Genome position (GRCh38, 1-based): chr3:58,096,190, A>G. VCF-style: chr3-58096190-A-G. GRCh37 (hg19) VCF-style: chr3-58081917-A-G.
Other names: c.956A>G, p.Tyr319Cys (NM_001164317.2, NM_001164318.2, NM_001164319.2); short protein forms Y319C.
Identifiers: ClinVar variation 4765683 (VCV004765683.1).

ClinVar aggregate classification (germline): Uncertain significance (1 of 4 stars; one submission).

gnomAD v4.1: 7 of 1,614,092 alleles (0.00043%); highest among the groups gnomAD compares: Non-Finnish European, 0.00059%; no homozygotes.

Submission:

Labcorp Genetics (formerly Invitae), Labcorp
Classification: Uncertain significance. Last evaluated: 2025-10-18. Review status: criteria provided, single submitter. Criteria: Invitae Variant Classification Sherloc (09022015). Collection method: clinical testing. Allele origin: germline.
Comment: This sequence change replaces tyrosine, which is neutral and polar, with cysteine, which is neutral and slightly polar, at codon 319 of the FLNB protein (p.Tyr319Cys). This variant is not present in population databases (gnomAD no frequency). This variant has not been reported in the literature in individuals affected with FLNB-related conditions. Invitae Evidence Modeling of protein sequence and biophysical properties (such as structural, functional, and spatial information, amino acid conservation, physicochemical variation, residue mobility, and thermodynamic stability) has been performed for this missense variant. However, the output from this modeling did not meet the statistical confidence thresholds required to predict the impact of this variant on FLNB protein function. In summary, the available evidence is currently insufficient to determine the role of this variant in disease. Therefore, it has been classified as a Variant of Uncertain Significance.